The following is an entry in ClinVar:

ClinVar aggregate classification (germline): Benign (1 of 4 stars; one submission).

Allele frequency attached by ClinVar (database versions not stated): gnomAD exomes 0.00077; gnomAD 0.00088; 1000 Genomes Project 30x 0.00094.
gnomAD v4.1: 226 of 261,178 alleles (0.087%); highest among the groups gnomAD compares: South Asian, 0.18%; 1 homozygote.

Submission:

CeGaT Center for Human Genetics Tuebingen
Classification: Benign. Last evaluated: 2022-07-01. Review status: criteria provided, single submitter. Criteria: CeGaT Center For Human Genetics Tuebingen Variant Classification Criteria Version 2. Collection method: clinical testing. Allele origin: germline. Affected: yes. Observed: 1 variant allele.
Comment: KCNQ1OT1: BS1, BS2

NM_000218.3(KCNQ1):c.1393+31363T>A

Genes: KCNQ1 (potassium voltage-gated channel subfamily Q member 1; plus strand), KCNQ1OT1 (KCNQ1 opposite strand/antisense transcript 1; minus strand). Cytogenetic location: 11p15.5.
Variant type: single nucleotide variant.
Coding change: c.1393+31363T>A on transcript NM_000218.3 (MANE Select); 31363 bases into the intron after coding-DNA position 1393, T replaced by A.
Molecular consequence: intron variant. On other transcripts: non-coding transcript variant (1).
Genome position (GRCh38, 1-based): chr11:2,620,217, T>A. VCF-style: chr11-2620217-T-A. GRCh37 (hg19) VCF-style: chr11-2641447-T-A.
Other names: c.1123+31363T>A (NM_001406837.1); c.1297+31363T>A (NM_001406836.1); c.853+31363T>A (NM_001406838.1); c.1012+31363T>A (NM_181798.2).
Identifiers: ClinVar variation 2641384 (VCV002641384.24), dbSNP rs1313552132, ClinGen allele CA472106337.